The following is an entry in ClinVar:

ClinVar aggregate classification (germline): Pathogenic. Review status: criteria provided, single submitter (1 of 4 stars). 2 submissions from 2 submitters: Pathogenic (1). 1 of the submissions does not count toward it. Last evaluated 2023-04-20.

Conditions:
Rubinstein-Taybi syndrome due to EP300 haploinsufficiency. Also called: EP300-Related Rubinstein-Taybi Syndrome; RUBINSTEIN-TAYBI SYNDROME 2. Identifiers: Orphanet 353284, Orphanet 783, MedGen C3150941, MONDO:0013364, OMIM 613684.

Submissions (2):

GeneDx
Classification: Pathogenic. Last evaluated: 2023-04-20. Review status: criteria provided, single submitter. Criteria: GeneDx Variant Classification Process June 2021. Collection method: clinical testing. Allele origin: germline. Affected: yes.
Comment: Frameshift variant predicted to result in protein truncation, as the last 48 amino acids are replaced with 35 different amino acids, and other loss-of-function variants have been reported downstream in HGMD; Not observed at significant frequency in large population cohorts (gnomAD); This variant is associated with the following publications: (PMID: 17299436)

OMIM
Classification: Pathogenic for RUBINSTEIN-TAYBI SYNDROME 2. Last evaluated: 2007-08-01. Review status: no assertion criteria provided. Collection method: literature only. Allele origin: germline. Not counted in ClinVar's aggregate classification.

Literature cited by the submitters: PubMed 17299436 (cited by OMIM).

NM_001429.4(EP300):c.7100del (p.Pro2367fs)

Gene: EP300 (EP300 lysine acetyltransferase; plus strand). Cytogenetic location: 22q13.2.
Variant type: Deletion.
Coding change: c.7100del on transcript NM_001429.4 (MANE Select); coding-DNA position 7100, one base deleted (C; older notation c.7100delC).
Protein change: p.Pro2367fs; shifts the reading frame from proline 2367.
Molecular consequence: frameshift variant.
Genome position (GRCh38, 1-based): chr22:41,178,811, C deleted; the last of 3 consecutive C bases (chr22:41,178,809-41,178,811); deleting any one gives the same sequence. VCF-style (leftmost placement, unchanged base first): chr22-41178808-GC-G. GRCh37 (hg19) VCF-style: chr22-41574812-GC-G.
Other names: c.7022del, p.Pro2341fs (NM_001362843.2); short protein forms P2341fs, P2367fs.
Identifiers: ClinVar variation 6885 (VCV000006885.5), dbSNP rs1569122847, ClinGen allele CA913189137.